The following is an entry in ClinVar:

ClinVar aggregate classification (germline): Uncertain significance. Review status: criteria provided, multiple submitters, no conflicts (2 of 4 stars). 2 submissions from 2 submitters: Uncertain significance (2). Last evaluated 2025-11-03.

Allele frequency attached by ClinVar (database versions not stated): ExAC 0.00001; gnomAD exomes 0.00001; TOPMed 0.00002.
gnomAD v4.1: 3 of 1,612,882 alleles (0.00019%); highest among the groups gnomAD compares: Admixed American, 0.005%; no homozygotes.

Submissions (2):

Ambry Genetics
Classification: Uncertain significance. Last evaluated: 2025-11-03. Review status: criteria provided, single submitter. Criteria: Ambry Variant Classification Scheme 2023. Collection method: clinical testing. Allele origin: germline.

Labcorp Genetics (formerly Invitae), Labcorp
Classification: Uncertain significance. Last evaluated: 2022-02-09. Review status: criteria provided, single submitter. Criteria: Invitae Variant Classification Sherloc (09022015). Collection method: clinical testing. Allele origin: germline.
Comment: In summary, the available evidence is currently insufficient to determine the role of this variant in disease. Therefore, it has been classified as a Variant of Uncertain Significance. Algorithms developed to predict the effect of missense changes on protein structure and function are either unavailable or do not agree on the potential impact of this missense change (SIFT: "Deleterious"; PolyPhen-2: "Benign"; Align-GVGD: "Class C0"). ClinVar contains an entry for this variant (Variation ID: 971517). This variant has not been reported in the literature in individuals affected with RCBTB1-related conditions. This variant is present in population databases (rs762764935, gnomAD 0.006%). This sequence change replaces valine, which is neutral and non-polar, with leucine, which is neutral and non-polar, at codon 433 of the RCBTB1 protein (p.Val433Leu).

NM_018191.4(RCBTB1):c.1297G>C (p.Val433Leu)

Gene: RCBTB1 (RCC1 and BTB domain containing protein 1; minus strand). Cytogenetic location: 13q14.2.
Variant type: single nucleotide variant.
Coding change: c.1297G>C on transcript NM_018191.4 (MANE Select); coding-DNA position 1297, G replaced by C.
Protein change: p.Val433Leu; replaces valine 433 with leucine.
Molecular consequence: missense variant. On other transcripts: non-coding transcript variant (2).
Genome position (GRCh38, 1-based): chr13:49,541,703, C>G on the plus strand (G>C on the coding strand, the complement: RCBTB1 is on the minus strand). VCF-style: chr13-49541703-C-G. GRCh37 (hg19) VCF-style: chr13-50115839-C-G.
Other names: c.1297G>C, p.Val433Leu (NM_001352500.2, NM_001352501.2, NM_001352502.2 and 2 more transcripts); c.718G>C, p.Val240Leu (NM_001352506.2); short protein forms V240L, V433L.
Identifiers: ClinVar variation 971517 (VCV000971517.11), dbSNP rs762764935, ClinGen allele CA6982619.
Genomic context (GRCh38, chr13:49,541,703, plus strand): 5'-TGCGGCTCGTCCATCCCAATGCTACCACAGTACCTATAGCATCTTCTGGCGGCAGGTCGA[C>G]TGTGTCTGTGTAGAGGTACTGGAGAAAGGCACGATACACTGGGTAAGAAAACTGATCGAT-3'
Protein context (NP_060661.3, residues 423-443): AFLQYLYTDT[Val433Leu]DLPPEDAIGL